The following is an entry in ClinVar:

NM_001379451.1(BCORL1):c.2664A>G (p.Gln888=)

Gene: BCORL1 (BCL6 corepressor like 1; plus strand). Cytogenetic location: Xq26.1.
Variant type: single nucleotide variant.
Coding change: c.2664A>G on transcript NM_001379451.1 (MANE Select); coding-DNA position 2664, A replaced by G.
Protein change: p.Gln888=; no amino-acid change (glutamine 888 retained).
Molecular consequence: synonymous variant.
Genome position (GRCh38, 1-based): chrX:130,015,436, A>G. VCF-style: chrX-130015436-A-G. GRCh37 (hg19) VCF-style: chrX-129149412-A-G.
Other names: c.2664A>G, p.Gln888= (NM_001184772.3, NM_001379450.1, NM_021946.5).
Identifiers: ClinVar variation 2661417 (VCV002661417.24), dbSNP rs369654333, ClinGen allele CA10514391.

ClinVar aggregate classification (germline): Likely benign (1 of 4 stars; one submission).

Allele frequency attached by ClinVar (database versions not stated): ExAC 0.00009; ESP Exome Variant Server 0.00019; gnomAD 0.00005; TOPMed 0.00005.
gnomAD v4.1: 106 of 1,211,029 alleles (0.0088%); highest among the groups gnomAD compares: South Asian, 0.033%; no homozygotes.

Submission:

CeGaT Center for Human Genetics Tuebingen
Classification: Likely benign. Last evaluated: 2025-08-01. Review status: criteria provided, single submitter. Criteria: CeGaT Center For Human Genetics Tuebingen Variant Classification Criteria Version 2. Collection method: clinical testing. Allele origin: germline. Affected: yes. Observed: 2 variant alleles.
Comment: BCORL1: BP4, BP7, BS2